The following is an entry in ClinVar:

NM_018417.6(ADCY10):c.3864A>C (p.Lys1288Asn)

Gene: ADCY10 (adenylate cyclase 10; minus strand). Cytogenetic location: 1q24.2.
Variant type: single nucleotide variant.
Coding change: c.3864A>C on transcript NM_018417.6 (MANE Select); coding-DNA position 3864, A replaced by C.
Protein change: p.Lys1288Asn; replaces lysine 1288 with asparagine.
Molecular consequence: missense variant.
Genome position (GRCh38, 1-based): chr1:167,824,742, T>G on the plus strand (A>C on the coding strand, the complement: ADCY10 is on the minus strand). VCF-style: chr1-167824742-T-G. GRCh37 (hg19) VCF-style: chr1-167793980-T-G.
Other names: c.3405A>C, p.Lys1135Asn (NM_001167749.3); c.3588A>C, p.Lys1196Asn (NM_001297772.2); short protein forms K1196N, K1288N, K1135N.
Identifiers: ClinVar variation 2724245 (VCV002724245.25), dbSNP rs564897812, ClinGen allele CA1227223.
Genomic context (GRCh38, chr1:167,824,742, plus strand): 5'-TATGAGCTTGTTGAAGACCAGTGTCTCAGCCACGTATGCCACGATTTCAATGCCCTCGCC[T>G]TTCAGGGGGAGGTTGAAGATGTGCTCCATGGCCATGACTTCATATTTGAACCACACACCT-3'
Protein context (NP_060887.2, residues 1278-1298): AMEHIFNLPL[Lys1288Asn]GEGIEIVAYV

ClinVar aggregate classification (germline): Conflicting classifications of pathogenicity. Review status: criteria provided, conflicting classifications (1 of 4 stars). 2 submissions from 2 submitters: Uncertain significance (1); Benign (1). Last evaluated 2024-05-07.

Allele frequency attached by ClinVar (database versions not stated): TOPMed 0.00001; gnomAD 0.00005; 1000 Genomes Project 30x 0.00016; gnomAD exomes 0.00016; 1000 Genomes Project 0.00020; ExAC 0.00029.
gnomAD v4.1: 255 of 1,614,216 alleles (0.016%); highest among the groups gnomAD compares: South Asian, 0.19%; 3 homozygotes.

Submissions (2):

Labcorp Genetics (formerly Invitae), Labcorp
Classification: Uncertain significance. Last evaluated: 2024-05-07. Review status: criteria provided, single submitter. Criteria: Invitae Variant Classification Sherloc (09022015). Collection method: clinical testing. Allele origin: germline.
Comment: This sequence change replaces lysine, which is basic and polar, with asparagine, which is neutral and polar, at codon 1288 of the ADCY10 protein (p.Lys1288Asn). This variant is present in population databases (rs564897812, gnomAD 0.2%), and has an allele count higher than expected for a pathogenic variant. This variant has not been reported in the literature in individuals affected with ADCY10-related conditions. Algorithms developed to predict the effect of missense changes on protein structure and function output the following: SIFT: "Not Available"; PolyPhen-2: "Benign"; Align-GVGD: "Not Available". The asparagine amino acid residue is found in multiple mammalian species, which suggests that this missense change does not adversely affect protein function. In summary, the available evidence is currently insufficient to determine the role of this variant in disease. Therefore, it has been classified as a Variant of Uncertain Significance.

CeGaT Center for Human Genetics Tuebingen
Classification: Benign. Last evaluated: 2024-02-01. Review status: criteria provided, single submitter. Criteria: CeGaT Center For Human Genetics Tuebingen Variant Classification Criteria Version 2. Collection method: clinical testing. Allele origin: germline. Affected: yes. Observed: 1 variant allele.
Comment: ADCY10: BP4, BS1, BS2